The following is an entry in ClinVar:

ClinVar aggregate classification (germline): Uncertain significance (1 of 4 stars; one submission).

Allele frequency attached by ClinVar (database versions not stated): TOPMed below 0.00001; gnomAD exomes 0.00001; ExAC 0.00002.

Submission:

Labcorp Genetics (formerly Invitae), Labcorp
Classification: Uncertain significance. Last evaluated: 2022-01-18. Review status: criteria provided, single submitter. Criteria: Invitae Variant Classification Sherloc (09022015). Collection method: clinical testing. Allele origin: germline.
Comment: In summary, the available evidence is currently insufficient to determine the role of this variant in disease. Therefore, it has been classified as a Variant of Uncertain Significance. Algorithms developed to predict the effect of sequence changes on RNA splicing suggest that this variant may create or strengthen a splice site. Algorithms developed to predict the effect of missense changes on protein structure and function are either unavailable or do not agree on the potential impact of this missense change (SIFT: "Deleterious"; PolyPhen-2: "Not Available"; Align-GVGD: "Class C0"). This variant has not been reported in the literature in individuals affected with PCLO-related conditions. This variant is present in population databases (rs776655759, gnomAD 0.002%). This sequence change replaces asparagine, which is neutral and polar, with serine, which is neutral and polar, at codon 4724 of the PCLO protein (p.Asn4724Ser).

NM_033026.6(PCLO):c.14171A>G (p.Asn4724Ser)

Gene: PCLO (piccolo presynaptic cytomatrix protein; minus strand). Cytogenetic location: 7q21.11.
Variant type: single nucleotide variant.
Coding change: c.14171A>G on transcript NM_033026.6 (MANE Select); coding-DNA position 14171, A replaced by G.
Protein change: p.Asn4724Ser; replaces asparagine 4724 with serine.
Molecular consequence: missense variant.
Genome position (GRCh38, 1-based): chr7:82,838,269, T>C on the plus strand (A>G on the coding strand, the complement: PCLO is on the minus strand). VCF-style: chr7-82838269-T-C. GRCh37 (hg19) VCF-style: chr7-82467585-T-C.
Other names: c.14171A>G, p.Asn4724Ser (NM_014510.3); short protein forms N4724S.
Identifiers: ClinVar variation 1901341 (VCV001901341.3), dbSNP rs776655759, ClinGen allele CA4318911.